The following is an entry in ClinVar:

NM_138701.4(MPLKIP):c.8G>A (p.Arg3Gln)

Gene: MPLKIP (M-phase specific PLK1 interacting protein; minus strand). Cytogenetic location: 7p14.1.
Variant type: single nucleotide variant.
Coding change: c.8G>A on transcript NM_138701.4 (MANE Select); coding-DNA position 8, G replaced by A.
Protein change: p.Arg3Gln; replaces arginine 3 with glutamine.
Molecular consequence: missense variant.
Genome position (GRCh38, 1-based): chr7:40,134,560, C>T on the plus strand (G>A on the coding strand, the complement: MPLKIP is on the minus strand). VCF-style: chr7-40134560-C-T. GRCh37 (hg19) VCF-style: chr7-40174159-C-T.
Other names: short protein forms R3Q.
Identifiers: ClinVar variation 1966147 (VCV001966147.5), dbSNP rs1207742624, ClinGen allele CA367309084.
Genomic context (GRCh38, chr7:40,134,560, plus strand): 5'-CTACCCCAACCTCCTCCACCCGGACCAGGGTAAGGAGGAGTTGGGGGCCGAAAATTCTGT[C>T]GCTGCATATCAGGAGCCAAAGCCGAAAACCTCGCAGCCGCGTTCTCCCACCGGAACTGTA-3'
Protein context (NP_619646.1, residues 1-13): MQ[Arg3Gln]QNFRPPTPPY

ClinVar aggregate classification (germline): Uncertain significance (1 of 4 stars; one submission).

Allele frequency attached by ClinVar (database versions not stated): gnomAD 0.00001; TOPMed 0.00002.

Submission:

Labcorp Genetics (formerly Invitae), Labcorp
Classification: Uncertain significance. Last evaluated: 2025-03-03. Review status: criteria provided, single submitter. Criteria: Invitae Variant Classification Sherloc (09022015). Collection method: clinical testing. Allele origin: germline.
Comment: This sequence change replaces arginine, which is basic and polar, with glutamine, which is neutral and polar, at codon 3 of the MPLKIP protein (p.Arg3Gln). This variant is not present in population databases (gnomAD no frequency). This variant has not been reported in the literature in individuals affected with MPLKIP-related conditions. ClinVar contains an entry for this variant (Variation ID: 1966147). Experimental studies and prediction algorithms are not available or were not evaluated, and the functional significance of this variant is currently unknown. In summary, the available evidence is currently insufficient to determine the role of this variant in disease. Therefore, it has been classified as a Variant of Uncertain Significance.